The following is an entry in ClinVar:

ClinVar aggregate classification (germline): Pathogenic/Likely pathogenic. Review status: criteria provided, multiple submitters, no conflicts (2 of 4 stars). 2 submissions from 2 submitters: Pathogenic (1); Likely pathogenic (1). Last evaluated 2020-10-23.

Conditions:
Dias-Logan syndrome. Also called: INTELLECTUAL DEVELOPMENTAL DISORDER WITH HEREDITARY PERSISTENCE OF FETAL HEMOGLOBIN; Intellectual developmental disorder with persistence of fetal hemoglobin. Identifiers: Orphanet 619233, MedGen C4310833, MONDO:0014914, OMIM 617101.

Submissions (2):

Institute of Medical Genetics and Applied Genomics, University Hospital Tübingen
Classification: Pathogenic. Last evaluated: 2020-10-23. Review status: criteria provided, single submitter. Criteria: ACMG Guidelines, 2015. Collection method: clinical testing. Allele origin: germline. Inheritance: Unknown mechanism. Affected: yes.

Juno Genomics, Hangzhou Juno Genomics, Inc
Classification: Likely pathogenic for Dias-Logan syndrome. Review status: criteria provided, single submitter. Criteria: ACMG Guidelines, 2015. Collection method: clinical testing. Allele origin: germline. Affected: yes.
Comment: Absent from controls (or at extremely low frequency if recessive) in Genome Aggregation Database, Exome Sequencing Project, 1000 Genomes Project, or Exome Aggregation Consortium.;Null variant in a gene where loss of function (LOF) is a known mechanism of disease.

NM_022893.4(BCL11A):c.370C>T (p.Gln124Ter)

Gene: BCL11A (BCL11 transcription factor A; minus strand). Cytogenetic location: 2p16.1.
Variant type: single nucleotide variant.
Coding change: c.370C>T on transcript NM_022893.4 (MANE Select); coding-DNA position 370, C replaced by T.
Protein change: p.Gln124Ter; replaces glutamine 124 with a stop codon.
Molecular consequence: nonsense.
Genome position (GRCh38, 1-based): chr2:60,545,986, G>A on the plus strand (C>T on the coding strand, the complement: BCL11A is on the minus strand). VCF-style: chr2-60545986-G-A. GRCh37 (hg19) VCF-style: chr2-60773121-G-A.
Other names: c.370C>T, p.Gln124Ter (NM_001363864.1, NM_001365609.1, NM_018014.4 and 1 more transcripts); short protein forms Q124*.
Identifiers: ClinVar variation 987335 (VCV000987335.4), dbSNP rs1670131098, ClinGen allele CA347040513.
Genomic context (GRCh38, chr2:60,545,986, plus strand): 5'-GAAAAGAAAACATGCAAACAGCTTTTCTCCTTGCTTCTCATTTACCTGCTATGTGTTCCT[G>A]TTTGGGGCAAATTCCTCTAGATGACGTTGATAAACAATCGTCATCCTCTGGCGTGACCTG-3'